The following is an entry in ClinVar:

ClinVar aggregate classification (germline): Uncertain significance (1 of 4 stars; one submission).

Allele frequency attached by ClinVar (database versions not stated): gnomAD exomes below 0.00001.
gnomAD v4.1: 1 of 1,613,834 alleles (0.000062%); highest among the groups gnomAD compares: Non-Finnish European, 0.000085%; no homozygotes.

Submission:

Labcorp Genetics (formerly Invitae), Labcorp
Classification: Uncertain significance. Last evaluated: 2022-08-10. Review status: criteria provided, single submitter. Criteria: Invitae Variant Classification Sherloc (09022015). Collection method: clinical testing. Allele origin: germline.
Comment: In summary, the available evidence is currently insufficient to determine the role of this variant in disease. Therefore, it has been classified as a Variant of Uncertain Significance. Algorithms developed to predict the effect of missense changes on protein structure and function are either unavailable or do not agree on the potential impact of this missense change (SIFT: "Deleterious"; PolyPhen-2: "Not Available"; Align-GVGD: "Class C0"). This variant has not been reported in the literature in individuals affected with PCLO-related conditions. This variant is not present in population databases (gnomAD no frequency). This sequence change replaces serine, which is neutral and polar, with tyrosine, which is neutral and polar, at codon 3619 of the PCLO protein (p.Ser3619Tyr).

NM_033026.6(PCLO):c.10856C>A (p.Ser3619Tyr)

Gene: PCLO (piccolo presynaptic cytomatrix protein; minus strand). Cytogenetic location: 7q21.11.
Variant type: single nucleotide variant.
Coding change: c.10856C>A on transcript NM_033026.6 (MANE Select); coding-DNA position 10856, C replaced by A.
Protein change: p.Ser3619Tyr; replaces serine 3619 with tyrosine.
Molecular consequence: missense variant.
Genome position (GRCh38, 1-based): chr7:82,949,732, G>T on the plus strand (C>A on the coding strand, the complement: PCLO is on the minus strand). VCF-style: chr7-82949732-G-T. GRCh37 (hg19) VCF-style: chr7-82579048-G-T.
Other names: c.10856C>A, p.Ser3619Tyr (NM_014510.3); short protein forms S3619Y.
Identifiers: ClinVar variation 2060793 (VCV002060793.4), dbSNP rs945443608, ClinGen allele CA367901733.